The following is an entry in ClinVar:

NM_002900.3(RBP3):c.2118C>A (p.Gly706=)

Gene: RBP3 (retinol binding protein 3; plus strand). Cytogenetic location: 10q11.22.
Variant type: single nucleotide variant.
Coding change: c.2118C>A on transcript NM_002900.3 (MANE Select); coding-DNA position 2118, C replaced by A.
Protein change: p.Gly706=; no amino-acid change (glycine 706 retained).
Molecular consequence: synonymous variant.
Genome position (GRCh38, 1-based): chr10:47,350,602, C>A. VCF-style: chr10-47350602-C-A. GRCh37 (hg19) VCF-style: chr10-48388760-G-T.
Identifiers: ClinVar variation 755991 (VCV000755991.9), dbSNP rs782605269, ClinGen allele CA5487354.

ClinVar aggregate classification (germline): Likely benign. Review status: criteria provided, multiple submitters, no conflicts (2 of 4 stars). 2 submissions from 2 submitters: Likely benign (2). Last evaluated 2025-04-14.

Conditions:
RBP3-related disorder. Also called: RBP3-related condition.

Allele frequency attached by ClinVar (database versions not stated): TOPMed 0.00002.
gnomAD v4.1: 6 of 1,612,934 alleles (0.00037%); highest among the groups gnomAD compares: East Asian, 0.0067%; no homozygotes.

Submissions (2):

Labcorp Genetics (formerly Invitae), Labcorp
Classification: Likely benign. Last evaluated: 2025-04-14. Review status: criteria provided, single submitter. Criteria: Invitae Variant Classification Sherloc (09022015). Collection method: clinical testing. Allele origin: germline.

PreventionGenetics, part of Exact Sciences
Classification: Likely benign for RBP3-related condition. Last evaluated: 2025-01-15. Review status: criteria provided, single submitter. Criteria: ACMG Guidelines, 2015. Collection method: clinical testing. Allele origin: germline.
Comment: This variant is classified as likely benign based on ACMG/AMP sequence variant interpretation guidelines (Richards et al. 2015 PMID: 25741868, with internal and published modifications).